The following is an entry in ClinVar:

ClinVar aggregate classification (germline): Conflicting classifications of pathogenicity. Review status: criteria provided, conflicting classifications (1 of 4 stars). 2 submissions from 2 submitters: Uncertain significance (1); Likely benign (1). Last evaluated 2024-10-30.

Conditions:
Inborn genetic diseases. Identifiers: MedGen C0950123, MeSH D030342.

Allele frequency attached by ClinVar (database versions not stated): ExAC 0.00001; gnomAD exomes 0.00004; TOPMed 0.00004; gnomAD 0.00005.
gnomAD v4.1: 67 of 1,604,804 alleles (0.0042%); highest among the groups gnomAD compares: Non-Finnish European, 0.0056%; no homozygotes.

Submissions (2):

Labcorp Genetics (formerly Invitae), Labcorp
Classification: Uncertain significance. Last evaluated: 2024-10-30. Review status: criteria provided, single submitter. Criteria: Invitae Variant Classification Sherloc (09022015). Collection method: clinical testing. Allele origin: germline.
Comment: This sequence change replaces glutamic acid, which is acidic and polar, with glycine, which is neutral and non-polar, at codon 305 of the MACF1 protein (p.Glu305Gly). This variant is present in population databases (rs769929928, gnomAD 0.004%). This variant has not been reported in the literature in individuals affected with MACF1-related conditions. ClinVar contains an entry for this variant (Variation ID: 2522347). An algorithm developed to predict the effect of missense changes on protein structure and function (PolyPhen-2) suggests that this variant is likely to be tolerated. In summary, the available evidence is currently insufficient to determine the role of this variant in disease. Therefore, it has been classified as a Variant of Uncertain Significance.

Ambry Genetics
Classification: Likely benign for Inborn genetic diseases. Last evaluated: 2023-06-13. Review status: criteria provided, single submitter. Criteria: Ambry Variant Classification Scheme 2023. Collection method: clinical testing. Allele origin: germline.

NM_001394062.1(MACF1):c.899A>G (p.Glu300Gly)

Gene: MACF1 (microtubule actin crosslinking factor 1; plus strand). Cytogenetic location: 1p34.3.
Variant type: single nucleotide variant.
Coding change: c.899A>G on transcript NM_001394062.1 (MANE Select); coding-DNA position 899, A replaced by G.
Protein change: p.Glu300Gly; replaces glutamic acid 300 with glycine.
Molecular consequence: missense variant.
Genome position (GRCh38, 1-based): chr1:39,283,499, A>G. VCF-style: chr1-39283499-A-G. GRCh37 (hg19) VCF-style: chr1-39749171-A-G.
Other names: c.914A>G, p.Glu305Gly (NM_012090.5); short protein forms E300G, E305G.
Identifiers: ClinVar variation 2522347 (VCV002522347.5), dbSNP rs769929928, ClinGen allele CA779300.